The following is an entry in ClinVar:

ClinVar aggregate classification (germline): Uncertain significance (1 of 4 stars; one submission).

Conditions:
Muscular dystrophy-dystroglycanopathy type B6 (MDDGB6). Also called: MUSCULAR DYSTROPHY, CONGENITAL, LARGE-RELATED; MUSCULAR DYSTROPHY, CONGENITAL, TYPE 1D; MUSCULAR DYSTROPHY-DYSTROGLYCANOPATHY (CONGENITAL WITH IMPAIRED INTELLECTUAL DEVELOPMENT), TYPE B, 6. Identifiers: MedGen C1837229, MONDO:0012138, OMIM 608840.

Submission:

Labcorp Genetics (formerly Invitae), Labcorp
Classification: Uncertain significance for Muscular dystrophy-dystroglycanopathy type B6. Last evaluated: 2021-03-05. Review status: criteria provided, single submitter. Criteria: Invitae Variant Classification Sherloc (09022015). Collection method: clinical testing. Allele origin: germline.
Comment: This sequence change falls in intron 9 of the LARGE1 gene. It does not directly change the encoded amino acid sequence of the LARGE1 protein, but it affects a nucleotide within the consensus splice site of the intron. In summary, the available evidence is currently insufficient to determine the role of this variant in disease. Therefore, it has been classified as a Variant of Uncertain Significance. Nucleotide substitutions within the consensus splice site are a relatively common cause of aberrant splicing (PMID: 17576681, 9536098). Algorithms developed to predict the effect of sequence changes on RNA splicing suggest that this variant may disrupt the consensus splice site, but this prediction has not been confirmed by published transcriptional studies. This variant has not been reported in the literature in individuals with LARGE1-related conditions. This variant is not present in population databases (ExAC no frequency).

Literature cited by the submitters: PubMed 17576681; PubMed 9536098.

NM_133642.5(LARGE1):c.1005+5G>A

Gene: LARGE1 (LARGE xylosyl- and glucuronyltransferase 1; minus strand). Cytogenetic location: 22q12.3.
Variant type: single nucleotide variant.
Coding change: c.1005+5G>A on transcript NM_133642.5 (MANE Select); 5 bases into the intron after coding-DNA position 1005, G replaced by A.
Molecular consequence: intron variant.
Genome position (GRCh38, 1-based): chr22:33,384,187, C>T on the plus strand (G>A on the coding strand, the complement: LARGE1 is on the minus strand). VCF-style: chr22-33384187-C-T. GRCh37 (hg19) VCF-style: chr22-33780173-C-T.
Other names: c.1005+5G>A (NM_001362953.2, NM_001362949.2, NM_001378627.1 and 7 more transcripts); c.402+5G>A (NM_001378631.1, NM_001378630.1).
Identifiers: ClinVar variation 999490 (VCV000999490.7), dbSNP rs1204892970, ClinGen allele CA2402395516.